The following is an entry in ClinVar:

NM_001206927.2(DNAH8):c.6517C>T (p.Arg2173Cys)

Gene: DNAH8 (dynein axonemal heavy chain 8; plus strand). Cytogenetic location: 6p21.2.
Variant type: single nucleotide variant.
Coding change: c.6517C>T on transcript NM_001206927.2 (MANE Select); coding-DNA position 6517, C replaced by T.
Protein change: p.Arg2173Cys; replaces arginine 2173 with cysteine.
Molecular consequence: missense variant.
Genome position (GRCh38, 1-based): chr6:38,866,609, C>T. VCF-style: chr6-38866609-C-T. GRCh37 (hg19) VCF-style: chr6-38834385-C-T.
Other names: c.6517C>T (NM_001206927.1); c.5866C>T, p.Arg1956Cys (NM_001371.4); short protein forms R1956C, R2173C.
Identifiers: ClinVar variation 1437009 (VCV001437009.5), dbSNP rs773222614, ClinGen allele CA3789688.

ClinVar aggregate classification (germline): Uncertain significance. Review status: criteria provided, multiple submitters, no conflicts (2 of 4 stars). 3 submissions from 3 submitters: Uncertain significance (3). Last evaluated 2025-10-06.

Conditions:
Primary ciliary dyskinesia. Also called: Ciliary dyskinesia. Identifiers: Orphanet 244, MedGen C0008780, MONDO:0016575, HP:0012265.

Allele frequency attached by ClinVar (database versions not stated): TOPMed 0.00001; gnomAD 0.00002; ExAC 0.00003; gnomAD exomes 0.00003.
gnomAD v4.1: 42 of 1,609,598 alleles (0.0026%); highest among the groups gnomAD compares: Middle Eastern, 0.016%; no homozygotes.

Submissions (3):

Ambry Genetics
Classification: Uncertain significance. Last evaluated: 2025-10-06. Review status: criteria provided, single submitter. Criteria: Ambry Variant Classification Scheme 2023. Collection method: clinical testing. Allele origin: germline.

Blueprint Genetics
Classification: Uncertain significance. Last evaluated: 2024-04-25. Review status: criteria provided, single submitter. Criteria: ACMG Guidelines, 2015. Collection method: clinical testing. Allele origin: germline.

Labcorp Genetics (formerly Invitae), Labcorp
Classification: Uncertain significance for Primary ciliary dyskinesia. Last evaluated: 2021-11-10. Review status: criteria provided, single submitter. Criteria: Invitae Variant Classification Sherloc (09022015). Collection method: clinical testing. Allele origin: germline.
Comment: This sequence change replaces arginine, which is basic and polar, with cysteine, which is neutral and slightly polar, at codon 2173 of the DNAH8 protein (p.Arg2173Cys). In summary, the available evidence is currently insufficient to determine the role of this variant in disease. Therefore, it has been classified as a Variant of Uncertain Significance. Algorithms developed to predict the effect of missense changes on protein structure and function are either unavailable or do not agree on the potential impact of this missense change (SIFT: "Deleterious"; PolyPhen-2: "Not Available"; Align-GVGD: "Class C0"). This variant has not been reported in the literature in individuals affected with DNAH8-related conditions. This variant is present in population databases (rs773222614, gnomAD 0.01%).